The following is an entry in ClinVar:

NM_080916.3(DGUOK):c.444-61G>T

Gene: DGUOK (deoxyguanosine kinase; plus strand). Cytogenetic location: 2p13.1.
Variant type: single nucleotide variant.
Coding change: c.444-61G>T on transcript NM_080916.3 (MANE Select); 61 bases into the intron before coding-DNA position 444, G replaced by T.
Molecular consequence: intron variant.
Genome position (GRCh38, 1-based): chr2:73,950,524, G>T. VCF-style: chr2-73950524-G-T. GRCh37 (hg19) VCF-style: chr2-74177651-G-T.
Other names: c.153-61G>T (NM_001318861.2, NM_001318860.2); c.135-61G>T (NM_001318862.2, NM_001318863.2); c.443+3618G>T (NM_080918.3); c.425+3636G>T (NM_001318859.2).
Identifiers: ClinVar variation 4982713 (VCV004982713.1).

ClinVar aggregate classification (germline): Likely benign (1 of 4 stars; one submission).

Conditions:
DGUOK-related disorder. Also called: DGUOK-related condition.

Submission:

PreventionGenetics, part of Exact Sciences
Classification: Likely benign for DGUOK-related condition. Last evaluated: 2026-02-12. Review status: criteria provided, single submitter. Criteria: ACMG Guidelines, 2015. Collection method: clinical testing. Allele origin: germline.
Comment: This variant is classified as likely benign based on ACMG/AMP sequence variant interpretation guidelines (Richards et al. 2015 PMID: 25741868, with internal and published modifications).